The following is an entry in ClinVar:

ClinVar aggregate classification (germline): Uncertain significance. Review status: criteria provided, multiple submitters, no conflicts (2 of 4 stars). 7 submissions from 7 submitters: Uncertain significance (7). Last evaluated 2024-07-20.

Conditions:
Congenital multicore myopathy with external ophthalmoplegia (CMYO1B). Also called: MULTICORE MYOPATHY; Minicore myopathy with external ophthalmoplegia; Congenital myopathy 1B, autosomal recessive; Minicore myopathy; MULTIMINICORE DISEASE WITH EXTERNAL OPHTHALMOPLEGIA. Identifiers: Orphanet 598, Orphanet 98905, MedGen C1850674, MONDO:0009712, OMIM 255320, HP:0003789.
King Denborough syndrome (KDS). Identifiers: MedGen C1840365, MONDO:0020485, OMIM 619542.
Central core myopathy (CMYO1A). Also called: CONGENITAL MYOPATHY 1A, AUTOSOMAL DOMINANT, WITH SUSCEPTIBILITY TO MALIGNANT HYPERTHERMIA; Central core disease; Myopathy, central fibrillar. Identifiers: Orphanet 597, MedGen C5830701, MONDO:0007294, OMIM 117000.
Malignant hyperthermia, susceptibility to, 1 (MHS1). Also called: RYR1-Related Malignant Hyperthermia Susceptibility; Anesthesia related hyperthermia; Malignant hyperpyrexia; Fulminating hyperpyrexia; Pharmacogenic myopathy; Malignant hyperthermia suceptibility 1. Identifiers: Orphanet 423, MedGen C2930980, MONDO:0007783, OMIM 145600.
Congenital myopathy with fiber type disproportion. Also called: Congenital fiber-type disproportion myopathy; Congenital fiber-type disproportion. Identifiers: Orphanet 2020, MedGen C0546264, MONDO:0009711. Inheritance: all.
RYR1-related disorder. Also called: RYR1-related disorders; RYR1-related condition. Identifiers: MedGen CN239331.

Allele frequency attached by ClinVar (database versions not stated): gnomAD exomes 0.00001 and 0.00004; ExAC 0.00002; TOPMed 0.00002; gnomAD 0.00003 and 0.00004.

Submissions (7):

All of Us Research Program, National Institutes of Health
Classification: Uncertain significance for Malignant hyperthermia, susceptibility to, 1. Last evaluated: 2024-07-20. Review status: criteria provided, single submitter. Criteria: ACMG Guidelines, 2015. Collection method: clinical testing. Allele origin: germline. Inheritance: Autosomal dominant inheritance. Observed: 5 variant alleles, 5 heterozygotes.
Comment: This missense variant replaces arginine with cysteine at codon 241 of the RYR1 protein. Computational prediction suggests that this variant may have deleterious impact on protein structure and function (internally defined REVEL score threshold >= 0.7, PMID: 27666373). Although functional studies have not been reported for this variant, it occurs in a region of RYR1 considered to be a hotspot for pathogenic variants that contribute to malignant hyperthermia susceptibility (PMID: 21118704). This variant has not been reported in individuals affected with RYR1-related disorders in the literature. This variant has been identified in 3/251460 chromosomes in the general population by the Genome Aggregation Database (gnomAD). The available evidence is insufficient to determine the role of this variant in disease conclusively. Therefore, this variant is classified as a Variant of Uncertain Significance.

This study involves interpretation of variants in research participants for the purpose of population health screening. Participant phenotype was not available at the time of variant classification. Additional details can be found in publication PMID: 35346344, PMCID: PMC8962531

Color Diagnostics, LLC DBA Color Health
Classification: Uncertain significance for Malignant hyperthermia, susceptibility to, 1. Last evaluated: 2024-07-10. Review status: criteria provided, single submitter. Criteria: ACMG Guidelines, 2015. Collection method: clinical testing. Allele origin: germline.
Comment: This missense variant replaces arginine with cysteine at codon 241 of the RYR1 protein. Computational prediction suggests that this variant may have deleterious impact on protein structure and function. Although functional studies have not been reported for this variant, it occurs in a region of RYR1 considered to be a hotspot for pathogenic variants that contribute to malignant hyperthermia susceptibility (PMID: 21118704). This variant has not been reported in individuals affected with RYR1-related disorders in the literature. This variant has been identified in 3/251460 chromosomes in the general population by the Genome Aggregation Database (gnomAD). The available evidence is insufficient to determine the role of this variant in disease conclusively. Therefore, this variant is classified as a Variant of Uncertain Significance.

Labcorp Genetics (formerly Invitae), Labcorp
Classification: Uncertain significance for RYR1-related disorder. Last evaluated: 2022-08-10. Review status: criteria provided, single submitter. Criteria: Invitae Variant Classification Sherloc (09022015). Collection method: clinical testing. Allele origin: germline.
Comment: This sequence change replaces arginine, which is basic and polar, with cysteine, which is neutral and slightly polar, at codon 241 of the RYR1 protein (p.Arg241Cys). This variant is present in population databases (rs751622747, gnomAD 0.003%). This variant has not been reported in the literature in individuals affected with RYR1-related conditions. ClinVar contains an entry for this variant (Variation ID: 662533). Advanced modeling of protein sequence and biophysical properties (such as structural, functional, and spatial information, amino acid conservation, physicochemical variation, residue mobility, and thermodynamic stability) performed at Invitae indicates that this missense variant is expected to disrupt RYR1 protein function. In summary, the available evidence is currently insufficient to determine the role of this variant in disease. Therefore, it has been classified as a Variant of Uncertain Significance.

Blueprint Genetics
Classification: Uncertain significance. Last evaluated: 2022-05-06. Review status: criteria provided, single submitter. Criteria: ACMG Guidelines, 2015. Collection method: clinical testing. Allele origin: germline.

Fulgent Genetics
Classification: Uncertain significance for Central core myopathy; Malignant hyperthermia, susceptibility to, 1; Congenital myopathy 4A, autosomal dominant; Congenital multicore myopathy with external ophthalmoplegia; King Denborough syndrome. Last evaluated: 2021-10-27. Review status: criteria provided, single submitter. Criteria: ACMG Guidelines, 2015. Collection method: clinical testing. Allele origin: unknown.

Revvity Omics, Revvity
Classification: Uncertain significance. Last evaluated: 2019-07-17. Review status: criteria provided, single submitter. Criteria: ACMG Guidelines, 2015. Collection method: clinical testing. Allele origin: germline.

GeneDx
Classification: Uncertain significance. Last evaluated: 2019-01-08. Review status: criteria provided, single submitter. Criteria: GeneDx Variant Classification Process June 2021. Collection method: clinical testing. Allele origin: germline. Affected: yes.
Comment: Not observed at a significant frequency in large population cohorts (Lek et al., 2016); In silico analysis, which includes protein predictors and evolutionary conservation, supports a deleterious effect; Has not been previously published as pathogenic or benign to our knowledge

Literature cited by the submitters: PubMed 21118704 (cited by All of Us Research Program, National Institutes of Health and Color Diagnostics, LLC DBA Color Health).

NM_000540.3(RYR1):c.721C>T (p.Arg241Cys)

Gene: RYR1 (ryanodine receptor 1; plus strand). Cytogenetic location: 19q13.2.
Variant type: single nucleotide variant.
Coding change: c.721C>T on transcript NM_000540.3 (MANE Select); coding-DNA position 721, C replaced by T.
Protein change: p.Arg241Cys; replaces arginine 241 with cysteine.
Molecular consequence: missense variant.
Genome position (GRCh38, 1-based): chr19:38,446,561, C>T. VCF-style: chr19-38446561-C-T. GRCh37 (hg19) VCF-style: chr19-38937201-C-T.
Other names: c.721C>T, p.Arg241Cys (NM_001042723.2); short protein forms R241C.
Identifiers: ClinVar variation 662533 (VCV000662533.13), dbSNP rs751622747, ClinGen allele CA069309.